The following is an entry in ClinVar:

ClinVar aggregate classification (germline): Pathogenic (1 of 4 stars; one submission).

Conditions:
Developmental and epileptic encephalopathy, 23 (DEE23). Also called: Epileptic encephalopathy, early infantile, 23. Identifiers: Orphanet 411986, MedGen C4014492, MONDO:0014371, OMIM 615859.

Submission:

Labcorp Genetics (formerly Invitae), Labcorp
Classification: Pathogenic for Developmental and epileptic encephalopathy, 23. Last evaluated: 2022-08-10. Review status: criteria provided, single submitter. Criteria: Invitae Variant Classification Sherloc (09022015). Collection method: clinical testing. Allele origin: germline.
Comment: For these reasons, this variant has been classified as Pathogenic. This variant has not been reported in the literature in individuals affected with DOCK7-related conditions. A gross deletion of the genomic region encompassing the full coding sequence of the DOCK7 gene has been identified. Loss-of-function variants in DOCK7 are known to be pathogenic (PMID: 24814191). The boundaries of this event are unknown as they extend beyond the assayed region for this gene and therefore may encompass additional genes.

Literature cited by the submitters: PubMed 24814191.

NC_000001.10:g.(?_62921085)_(63153935_?)del

Genes: ANGPTL3 (angiopoietin like 3; plus strand), DOCK7 (dedicator of cytokinesis 7; minus strand). Cytogenetic location: 1p31.3.
Variant type: Deletion.
Identifiers: ClinVar variation 1455430 (VCV001455430.7).